The following is an entry in ClinVar:

ClinVar aggregate classification (germline): Uncertain significance (1 of 4 stars; one submission).

Conditions:
KCTD1-related disorder. Also called: KCTD1-related condition.

Submission:

PreventionGenetics, part of Exact Sciences
Classification: Uncertain significance for KCTD1-related condition. Last evaluated: 2026-09-22. Review status: criteria provided, single submitter. Criteria: ACMG Guidelines, 2015. Collection method: clinical testing. Allele origin: germline.
Comment: The KCTD1 c.1243G>A variant is predicted to result in the amino acid substitution p.Glu415Lys. To our knowledge, this variant has not been reported in the literature or in a large population database (gnomAD), indicating this variant is rare. At this time, the clinical significance of this variant is uncertain due to the absence of conclusive functional and genetic evidence.

NM_001142730.3(KCTD1):c.1243G>A (p.Glu415Lys)

Gene: KCTD1 (potassium channel tetramerization domain containing 1; minus strand). Cytogenetic location: 18q11.2.
Variant type: single nucleotide variant.
Coding change: c.1243G>A on transcript NM_001142730.3 (MANE Select); coding-DNA position 1243, G replaced by A.
Protein change: p.Glu415Lys; replaces glutamic acid 415 with lysine.
Molecular consequence: missense variant. On other transcripts: intron variant (5).
Genome position (GRCh38, 1-based): chr18:26,547,294, C>T on the plus strand (G>A on the coding strand, the complement: KCTD1 is on the minus strand). VCF-style: chr18-26547294-C-T. GRCh37 (hg19) VCF-style: chr18-24127258-C-T.
Other names: c.10-46044G>A (NM_001258222.3); c.-15-46044G>A (NM_198991.4); c.-16+2435G>A (NM_001258221.2); c.-16+1950G>A (NM_001351443.1); c.-16+1597G>A (NM_001136205.2); short protein forms E415K.
Identifiers: ClinVar variation 5000363 (VCV005000363.1).